The following is an entry in ClinVar:

NM_004385.5(VCAN):c.2104G>A (p.Glu702Lys)

Gene: VCAN (versican; plus strand). Cytogenetic location: 5q14.3.
Variant type: single nucleotide variant.
Coding change: c.2104G>A on transcript NM_004385.5 (MANE Select); coding-DNA position 2104, G replaced by A.
Protein change: p.Glu702Lys; replaces glutamic acid 702 with lysine.
Molecular consequence: missense variant. On other transcripts: intron variant (2).
Genome position (GRCh38, 1-based): chr5:83,520,410, G>A. VCF-style: chr5-83520410-G-A. GRCh37 (hg19) VCF-style: chr5-82816229-G-A.
Other names: c.2104G>A, p.Glu702Lys (NM_001164098.2); c.1042+8014G>A (NM_001164097.2, NM_001126336.3); short protein forms E702K.
Identifiers: ClinVar variation 966370 (VCV000966370.11), dbSNP rs201590497, ClinGen allele CA3332787.

ClinVar aggregate classification (germline): Conflicting classifications of pathogenicity. Review status: criteria provided, conflicting classifications (1 of 4 stars). 2 submissions from 2 submitters: Uncertain significance (1); Likely benign (1). Last evaluated 2025-07-27.

Conditions:
VCAN-related disorder. Also called: VCAN-related condition.

Allele frequency attached by ClinVar (database versions not stated): gnomAD 0.00003 and 0.00006; gnomAD exomes 0.00005 and 0.00012; TOPMed 0.00005; ExAC 0.00006; 1000 Genomes Project 30x 0.00031; 1000 Genomes Project 0.00040.
gnomAD v4.1: 183 of 1,613,476 alleles (0.011%); highest among the groups gnomAD compares: East Asian, 0.4%; 2 homozygotes.

Submissions (2):

PreventionGenetics, part of Exact Sciences
Classification: Likely benign for VCAN-related condition. Last evaluated: 2025-07-27. Review status: criteria provided, single submitter. Criteria: ACMG Guidelines, 2015. Collection method: clinical testing. Allele origin: germline.
Comment: This variant is classified as likely benign based on ACMG/AMP sequence variant interpretation guidelines (Richards et al. 2015 PMID: 25741868, with internal and published modifications).

Labcorp Genetics (formerly Invitae), Labcorp
Classification: Uncertain significance. Last evaluated: 2024-08-10. Review status: criteria provided, single submitter. Criteria: Invitae Variant Classification Sherloc (09022015). Collection method: clinical testing. Allele origin: germline.
Comment: This sequence change replaces glutamic acid, which is acidic and polar, with lysine, which is basic and polar, at codon 702 of the VCAN protein (p.Glu702Lys). This variant is present in population databases (rs201590497, gnomAD 0.07%). This variant has not been reported in the literature in individuals affected with VCAN-related conditions. ClinVar contains an entry for this variant (Variation ID: 966370). An algorithm developed to predict the effect of missense changes on protein structure and function (PolyPhen-2) suggests that this variant is likely to be tolerated. In summary, the available evidence is currently insufficient to determine the role of this variant in disease. Therefore, it has been classified as a Variant of Uncertain Significance.